The following is an entry in ClinVar:

NM_001127178.3(PIGG):c.785del (p.Leu262fs)

Gene: PIGG (phosphatidylinositol glycan anchor biosynthesis class G (EMM blood group); plus strand). Cytogenetic location: 4p16.3.
Variant type: Deletion.
Coding change: c.785del on transcript NM_001127178.3 (MANE Select); coding-DNA position 785, one base deleted (T; older notation c.785delT).
Protein change: p.Leu262fs; shifts the reading frame from leucine 262.
Molecular consequence: frameshift variant. On other transcripts: 5 prime UTR variant (3), non-coding transcript variant (10), intron variant (1).
Genome position (GRCh38, 1-based): chr4:508,854, T deleted; the last of 3 consecutive T bases (chr4:508,852-508,854); deleting any one gives the same sequence. VCF-style (leftmost placement, unchanged base first): chr4-508851-AT-A. GRCh37 (hg19) VCF-style: chr4-502640-AT-A.
Other names: c.518del, p.Leu173fs (NM_001289051.2, NM_001289053.2, NM_001289057.2 and 2 more transcripts); c.386del, p.Leu129fs (NM_001289052.2); c.419del, p.Leu140fs (NM_001289055.2); c.785del, p.Leu262fs (NM_001345989.2, NM_017733.5); c.-841del (NM_001345990.2); c.-703del (NM_001345991.2); c.-428del (NM_001345994.2); c.-129+1261del (NM_001345988.2); short protein forms L173fs, L129fs, L262fs, L140fs.
Identifiers: ClinVar variation 1457020 (VCV001457020.20), dbSNP rs2108814954, ClinGen allele CA2573137551.

ClinVar aggregate classification (germline): Pathogenic. Review status: criteria provided, multiple submitters, no conflicts (2 of 4 stars). 2 submissions from 2 submitters: Pathogenic (2). Last evaluated 2024-10-22.

Conditions:
Intellectual disability, autosomal recessive 53 (NEDHSCA). Also called: NEURODEVELOPMENTAL DISORDER WITH OR WITHOUT HYPOTONIA, SEIZURES, AND CEREBELLAR ATROPHY; GLYCOSYLPHOSPHATIDYLINOSITOL BIOSYNTHESIS DEFECT 13; Mental retardation, autosomal recessive 53. Identifiers: Orphanet 488635, MedGen C4310794, MONDO:0014832, OMIM 616917.

Submissions (2):

Labcorp Genetics (formerly Invitae), Labcorp
Classification: Pathogenic for Intellectual disability, autosomal recessive 53. Last evaluated: 2024-10-22. Review status: criteria provided, single submitter. Criteria: Invitae Variant Classification Sherloc (09022015). Collection method: clinical testing. Allele origin: germline.
Comment: This sequence change creates a premature translational stop signal (p.Leu262Cysfs*24) in the PIGG gene. It is expected to result in an absent or disrupted protein product. Loss-of-function variants in PIGG are known to be pathogenic (PMID: 26996948, 28581210, 28771251). This variant is not present in population databases (gnomAD no frequency). This variant has not been reported in the literature in individuals affected with PIGG-related conditions. ClinVar contains an entry for this variant (Variation ID: 1457020). For these reasons, this variant has been classified as Pathogenic.

CeGaT Center for Human Genetics Tuebingen
Classification: Pathogenic. Last evaluated: 2024-10-01. Review status: criteria provided, single submitter. Criteria: CeGaT Center For Human Genetics Tuebingen Variant Classification Criteria Version 2. Collection method: clinical testing. Allele origin: germline. Affected: yes. Observed: 1 variant allele.
Comment: PIGG: PVS1, PM2

Literature cited by the submitters: PubMed 26996948 (cited by Labcorp Genetics (formerly Invitae), Labcorp); PubMed 28581210 (cited by Labcorp Genetics (formerly Invitae), Labcorp); PubMed 28771251 (cited by Labcorp Genetics (formerly Invitae), Labcorp).